The following is an entry in ClinVar:

ClinVar aggregate classification (germline): Uncertain significance. Review status: criteria provided, multiple submitters, no conflicts (2 of 4 stars). 2 submissions from 2 submitters: Uncertain significance (2). Last evaluated 2022-09-16.

Conditions:
Hereditary cancer-predisposing syndrome. Also called: Neoplastic Syndromes, Hereditary; Tumor predisposition; Hereditary Cancer Syndrome; Hereditary neoplastic syndrome. Identifiers: Orphanet 140162, MedGen C0027672, MeSH D009386, MONDO:0015356.

Submissions (2):

GeneDx
Classification: Uncertain significance. Last evaluated: 2022-09-16. Review status: criteria provided, single submitter. Criteria: GeneDx Variant Classification Process June 2021. Collection method: clinical testing. Allele origin: germline. Affected: yes.
Comment: Not observed at significant frequency in large population cohorts (gnomAD); Frameshift variant in a gene for which a downstream in-frame ATG produces an alternate clinically-relevant isoform, pVHL19, that may result in a functional protein (Iliopoulos et al., 1998; Schoenfeld et al., 1998; Blankenship et al., 1999); Has not been previously published as pathogenic or benign to our knowledge; This variant is associated with the following publications: (PMID: 10102622, 9751722, 9671762)

Ambry Genetics
Classification: Uncertain significance for Hereditary cancer-predisposing syndrome. Last evaluated: 2020-01-09. Review status: criteria provided, single submitter. Criteria: Ambry Variant Classification Scheme 2023. Collection method: clinical testing. Allele origin: germline.
Comment: The c.91delG variant, located in coding exon 1 of the VHL gene, results from a deletion of one nucleotide at nucleotide position 91, causing a translational frameshift with a predicted alternate stop codon (p.E31Rfs*36). Premature stop codons are typically deleterious in nature; however, an alternate initiation codon exists 23 residues downstream from this alteration and is reported to result in a biologically active isoform known as VHL19 (Iliopoulos O et al. Proc. Natl. Acad. Sci. U.S.A. 1998 Sep;95(20):11661-6; Schoenfeld A et al. Proc. Natl. Acad. Sci. U.S. A. 1998 Jul;95(15)8817-22). Since supporting evidence is limited at this time, the clinical significance of this alteration remains unclear.

NM_000551.4(VHL):c.91del (p.Glu31fs)

Gene: VHL (von Hippel-Lindau tumor suppressor; plus strand). Cytogenetic location: 3p25.3.
Variant type: Deletion.
Coding change: c.91del on transcript NM_000551.4 (MANE Select); coding-DNA position 91, one base deleted (G; older notation c.91delG).
Protein change: p.Glu31fs; shifts the reading frame from glutamic acid 31.
Molecular consequence: frameshift variant.
Genome position (GRCh38, 1-based): chr3:10,141,938, G deleted; the last of 4 consecutive G bases (chr3:10,141,935-10,141,938); deleting any one gives the same sequence. VCF-style (leftmost placement, unchanged base first): chr3-10141934-CG-C. GRCh37 (hg19) VCF-style: chr3-10183618-CG-C.
Other names: c.91delG, p.Glu31Argfs (NM_000551.3); c.91del, p.Glu31fs (NM_001354723.2, NM_198156.3); c.91del (NM_000551.3); short protein forms E31fs.
Identifiers: ClinVar variation 1766167 (VCV001766167.3), dbSNP rs2470157431, ClinGen allele CA2580068386.
Genomic context (GRCh38, chr3:10,141,934, plus strand): 5'-CGAGGCCGAGGTAGGCGCGGAGGAGGCAGGCGTCGAAGAGTACGGCCCTGAAGAAGACGG[CG>C]GGGAGGAGTCGGGCGCCGAGGAGTCCGGCCCGGAAGAGTCCGGCCCGGAGGAACTGGGCG-3'